The following is an entry in ClinVar:

ClinVar aggregate classification (germline): Likely benign (1 of 4 stars; one submission).

gnomAD v4.1: 17 of 1,541,066 alleles (0.0011%); highest among the groups gnomAD compares: East Asian, 0.0026%; no homozygotes.

Submission:

CeGaT Center for Human Genetics Tuebingen
Classification: Likely benign. Last evaluated: 2026-01-01. Review status: criteria provided, single submitter. Criteria: CeGaT Center For Human Genetics Tuebingen Variant Classification Criteria Version 2. Collection method: clinical testing. Allele origin: germline. Affected: yes. Observed: 1 variant allele.
Comment: FRMD4A: BP4, BP7

NM_018027.5(FRMD4A):c.2625G>A (p.Ala875=)

Gene: FRMD4A (FERM domain containing 4A; minus strand). Cytogenetic location: 10p13.
Variant type: single nucleotide variant.
Coding change: c.2625G>A on transcript NM_018027.5 (MANE Select); coding-DNA position 2625, G replaced by A.
Protein change: p.Ala875=; no amino-acid change (alanine 875 retained).
Molecular consequence: synonymous variant.
Genome position (GRCh38, 1-based): chr10:13,656,964, C>T on the plus strand (G>A on the coding strand, the complement: FRMD4A is on the minus strand). VCF-style: chr10-13656964-C-T. GRCh37 (hg19) VCF-style: chr10-13698964-C-T.
Other names: c.2673G>A, p.Ala891= (NM_001318336.2); c.2724G>A, p.Ala908= (NM_001318337.2); c.1698G>A, p.Ala566= (NM_001318338.2).
Identifiers: ClinVar variation 4822451 (VCV004822451.4).